The following is an entry in ClinVar:

ClinVar aggregate classification (germline): Uncertain significance (1 of 4 stars; one submission).

Submission:

GeneDx
Classification: Uncertain significance. Last evaluated: 2021-01-12. Review status: criteria provided, single submitter. Criteria: GeneDx Variant Classification Process June 2021. Collection method: clinical testing. Allele origin: germline. Affected: yes.
Comment: Not observed in large population cohorts (Lek et al., 2016); In silico analysis supports that this missense variant does not alter protein structure/function; Has not been previously published as pathogenic or benign to our knowledge

NM_001127222.2(CACNA1A):c.1396A>G (p.Thr466Ala)

Gene: CACNA1A (calcium voltage-gated channel subunit alpha1 A; minus strand). Cytogenetic location: 19p13.13.
Variant type: single nucleotide variant.
Coding change: c.1396A>G on transcript NM_001127222.2 (MANE Select); coding-DNA position 1396, A replaced by G.
Protein change: p.Thr466Ala; replaces threonine 466 with alanine.
Molecular consequence: missense variant.
Genome position (GRCh38, 1-based): chr19:13,317,271, T>C on the plus strand (A>G on the coding strand, the complement: CACNA1A is on the minus strand). VCF-style: chr19-13317271-T-C. GRCh37 (hg19) VCF-style: chr19-13428085-T-C.
Other names: c.1399A>G, p.Thr467Ala (NM_000068.4, NM_001127221.2, NM_001174080.2 and 1 more transcripts); short protein forms T466A, T467A.
Identifiers: ClinVar variation 1304610 (VCV001304610.2), dbSNP rs2145051461, ClinGen allele CA404345908.